The following is an entry in ClinVar:

NM_001042492.3(NF1):c.3048T>G (p.Cys1016Trp)

Gene: NF1 (neurofibromin 1; plus strand). Cytogenetic location: 17q11.2.
Variant type: single nucleotide variant.
Coding change: c.3048T>G on transcript NM_001042492.3 (MANE Select); coding-DNA position 3048, T replaced by G.
Protein change: p.Cys1016Trp; replaces cysteine 1016 with tryptophan.
Molecular consequence: missense variant.
Genome position (GRCh38, 1-based): chr17:31,230,317, T>G. VCF-style: chr17-31230317-T-G. GRCh37 (hg19) VCF-style: chr17-29557335-T-G.
Other names: c.3048T>G, p.Cys1016Trp (NM_000267.4); short protein forms C1016W.
Identifiers: ClinVar variation 1523685 (VCV001523685.6), dbSNP rs1135402840, ClinGen allele CA398987374.

ClinVar aggregate classification (germline): Likely pathogenic (1 of 4 stars; one submission).

Conditions:
Neurofibromatosis, type 1 (NF1). Also called: VON RECKLINGHAUSEN DISEASE; Neurofibromatosis, type I; Peripheral type neurofibromatosis; NEUROFIBROMATOSIS, TYPE I, SOMATIC. Identifiers: Orphanet 636, MedGen C0027831, MONDO:0018975, OMIM 162200. Disease mechanism: loss of function.

Submission:

Labcorp Genetics (formerly Invitae), Labcorp
Classification: Likely pathogenic for Neurofibromatosis, type 1. Last evaluated: 2025-09-21. Review status: criteria provided, single submitter. Criteria: Invitae Variant Classification Sherloc (09022015). Collection method: clinical testing. Allele origin: germline.
Comment: This sequence change replaces cysteine, which is neutral and slightly polar, with tryptophan, which is neutral and slightly polar, at codon 1016 of the NF1 protein (p.Cys1016Trp). This variant is not present in population databases (gnomAD no frequency). This variant has not been reported in the literature in individuals affected with NF1-related conditions. ClinVar contains an entry for this variant (Variation ID: 1523685). Invitae Evidence Modeling of protein sequence and biophysical properties (such as structural, functional, and spatial information, amino acid conservation, physicochemical variation, residue mobility, and thermodynamic stability) indicates that this missense variant is expected to disrupt NF1 protein function with a positive predictive value of 95%. This variant disrupts the p.Cys1016 amino acid residue in NF1. Other variant(s) that disrupt this residue have been determined to be pathogenic (internal data). This suggests that this residue is clinically significant, and that variants that disrupt this residue are likely to be disease-causing. In summary, the currently available evidence indicates that the variant is pathogenic, but additional data are needed to prove that conclusively. Therefore, this variant has been classified as Likely Pathogenic.